The following is an entry in ClinVar:

NM_000081.4(LYST):c.11268-5del

Gene: LYST (lysosomal trafficking regulator; minus strand). Cytogenetic location: 1q42.3.
Variant type: Deletion.
Coding change: c.11268-5del on transcript NM_000081.4 (MANE Select); 5 bases into the intron before coding-DNA position 11268, one base deleted (T; older notation c.11268-5delT).
Molecular consequence: intron variant.
Genome position (GRCh38, 1-based): chr1:235,663,083, A deleted on the plus strand (T on the coding strand, the reverse complement: LYST is on the minus strand); the first of 13 consecutive A bases (chr1:235,663,083-235,663,095); deleting any one gives the same sequence. VCF-style (leftmost placement, unchanged base first): chr1-235663082-TA-T. GRCh37 (hg19) VCF-style: chr1-235826382-TA-T.
Other names: p.?; c.11268-5delT (NM_000081.3, NM_001301365.1); c.11268-17del (NM_000081.4); c.11268-5del (NM_001301365.1).
Identifiers: ClinVar variation 403065 (VCV000403065.29), dbSNP rs36014994, ClinGen allele CA1465153.

ClinVar aggregate classification (germline): Benign/Likely benign. Review status: criteria provided, multiple submitters, no conflicts (2 of 4 stars). 15 submissions from 14 submitters: Benign (9); Likely benign (2). 4 of the submissions do not count toward it. Last evaluated 2026-02-04.

Conditions:
Autoinflammatory syndrome. Identifiers: Orphanet 93665, MedGen C3890737, MONDO:0019751.
Chédiak-Higashi syndrome (CHS). Also called: Chediak-Higashi Syndrome. Identifiers: Orphanet 167, MedGen C0007965, MONDO:0008963, OMIM 214500.

Submissions (33):

Labcorp Genetics (formerly Invitae), Labcorp
Classification: Benign for Chédiak-Higashi syndrome. Last evaluated: 2026-02-04. Review status: criteria provided, single submitter. Criteria: Invitae Variant Classification Sherloc (09022015). Collection method: clinical testing. Allele origin: germline.

Mayo Clinic Laboratories, Mayo Clinic
Classification: Benign. Last evaluated: 2025-09-18. Review status: criteria provided, single submitter. Criteria: ACMG Guidelines, 2015. Collection method: clinical testing. Allele origin: germline. Observed: 2,243 variant alleles.
Comment: BA1, BS2, BP4, BP7

Laboratory of Genetics, Children's Clinical University Hospital Latvia
Classification: Benign. Last evaluated: 2025-02-16. Review status: criteria provided, single submitter. Criteria: ACMG Guidelines, 2015. Collection method: clinical testing. Allele origin: germline. Affected: yes.

Blueprint Genetics
Classification: Likely benign. Last evaluated: 2024-11-26. Review status: criteria provided, single submitter. Criteria: ACMG Guidelines, 2015. Collection method: clinical testing. Allele origin: germline.

Unidad de Genómica Garrahan, Hospital de Pediatría Garrahan
Classification: Benign. Last evaluated: 2023-11-12. Review status: criteria provided, single submitter. Criteria: ACMG Guidelines, 2015. Collection method: clinical testing. Allele origin: germline. Affected: no. Observed: 42 variant alleles.
Comment: This variant is classified as Benign based on local population frequency. This variant was detected in 44% of patients studied by a panel of primary immunodeficiencies. Number of patients: 42. Only high quality variants are reported.

Molecular Genetics, Royal Melbourne Hospital
Classification: Benign for Chédiak-Higashi syndrome. Last evaluated: 2023-05-04. Review status: criteria provided, single submitter. Criteria: ACMG Guidelines, 2015. Collection method: clinical testing. Allele origin: germline. Affected: yes.
Comment: African/African American population allele frequency is 66.84% (rs767372373, 14,577/20,186 alleles, 4,812 homozygotes in gnomAD v2.1). Based on the classification scheme RMH Modified ACMG/AMP Guidelines v1.1.0, this variant is classified as BENIGN. Following criteria are met: BA1

Genome Diagnostics Laboratory, The Hospital for Sick Children
Classification: Benign for Autoinflammatory syndrome. Last evaluated: 2019-12-01. Review status: criteria provided, single submitter. Criteria: ACMG Guidelines, 2015. Collection method: clinical testing. Allele origin: germline. Affected: yes.

GeneDx
Classification: Benign. Last evaluated: 2019-08-22. Review status: criteria provided, single submitter. Criteria: GeneDx Variant Classification Process June 2021. Collection method: clinical testing. Allele origin: germline. Affected: yes.
Comment: This variant is associated with the following publications: (PMID: 27781387, 29357941)

Laboratory for Molecular Medicine, Mass General Brigham Personalized Medicine
Classification: Benign. Last evaluated: 2016-03-28. Review status: criteria provided, single submitter. Criteria: LMM Criteria. Collection method: clinical testing. Allele origin: germline.
Comment: Variant identified in a genome or exome case(s) and assessed due to predicted null impact of the variant or pathogenic assertions in the literature or databases. Disclaimer: This variant has not undergone full assessment. The following are preliminary notes: Frequency

Clinical Genetics DNA and cytogenetics Diagnostics Lab, Erasmus MC, Erasmus Medical Center
Classification: Likely benign for Chédiak-Higashi syndrome. Last evaluated: 2015-06-11. Review status: criteria provided, single submitter. Criteria: ACGS Guidelines, 2013. Collection method: clinical testing. Allele origin: germline. Affected: yes. Study: VKGL Data-share Consensus.

Genome Diagnostics Laboratory, University Medical Center Utrecht
Classification: Benign for Chédiak-Higashi syndrome. Last evaluated: 2014-10-09. Review status: criteria provided, single submitter. Criteria: ACGS Guidelines, 2013. Collection method: clinical testing. Allele origin: germline. Affected: yes. Study: VKGL Data-share Consensus.

Clinical Genetics, Academic Medical Center
Classification: Benign. Review status: no assertion criteria provided. Collection method: clinical testing. Allele origin: germline. Affected: yes. Study: VKGL Data-share Consensus. Not counted in ClinVar's aggregate classification.

Diagnostic Laboratory, Department of Genetics, University Medical Center Groningen
Classification: Benign. Review status: no assertion criteria provided. Collection method: clinical testing. Allele origin: germline. Affected: yes. Study: VKGL Data-share Consensus. Not counted in ClinVar's aggregate classification.

Dr. Peter K. Rogan Lab, Western University
No classification provided (evidence only). Condition: Familial pancreatic carcinoma. Review status: no classification provided. Collection method: in vitro. Allele origin: not applicable. Functional consequence: retained intron. Not counted in ClinVar's aggregate classification.

Dr. Peter K. Rogan Lab, Western University
No classification provided (evidence only). Condition: Cholangiocarcinoma. Review status: no classification provided. Collection method: in vitro. Allele origin: not applicable. Functional consequence: retained intron. Not counted in ClinVar's aggregate classification.

Dr. Peter K. Rogan Lab, Western University
No classification provided (evidence only). Condition: Cholangiocarcinoma. Review status: no classification provided. Collection method: in vitro. Allele origin: not applicable. Functional consequence: retained intron. Not counted in ClinVar's aggregate classification.

Dr. Peter K. Rogan Lab, Western University
No classification provided (evidence only). Condition: Cholangiocarcinoma. Review status: no classification provided. Collection method: in vitro. Allele origin: not applicable. Functional consequence: retained intron. Not counted in ClinVar's aggregate classification.

Dr. Peter K. Rogan Lab, Western University
No classification provided (evidence only). Condition: Cholangiocarcinoma. Review status: no classification provided. Collection method: in vitro. Allele origin: not applicable. Functional consequence: retained intron. Not counted in ClinVar's aggregate classification.

Dr. Peter K. Rogan Lab, Western University
No classification provided (evidence only). Condition: Cholangiocarcinoma. Review status: no classification provided. Collection method: in vitro. Allele origin: not applicable. Functional consequence: retained intron. Not counted in ClinVar's aggregate classification.

Dr. Peter K. Rogan Lab, Western University
No classification provided (evidence only). Condition: Cholangiocarcinoma. Review status: no classification provided. Collection method: in vitro. Allele origin: not applicable. Functional consequence: retained intron. Not counted in ClinVar's aggregate classification.

Dr. Peter K. Rogan Lab, Western University
No classification provided (evidence only). Condition: Chronic lymphocytic leukemia/small lymphocytic lymphoma. Review status: no classification provided. Collection method: in vitro. Allele origin: not applicable. Functional consequence: retained intron. Not counted in ClinVar's aggregate classification.

Dr. Peter K. Rogan Lab, Western University
No classification provided (evidence only). Condition: Chronic lymphocytic leukemia/small lymphocytic lymphoma. Review status: no classification provided. Collection method: in vitro. Allele origin: not applicable. Functional consequence: retained intron. Not counted in ClinVar's aggregate classification.

Dr. Peter K. Rogan Lab, Western University
No classification provided (evidence only). Condition: Chronic lymphocytic leukemia/small lymphocytic lymphoma. Review status: no classification provided. Collection method: in vitro. Allele origin: not applicable. Functional consequence: retained intron. Not counted in ClinVar's aggregate classification.

Dr. Peter K. Rogan Lab, Western University
No classification provided (evidence only). Condition: Chronic lymphocytic leukemia/small lymphocytic lymphoma. Review status: no classification provided. Collection method: in vitro. Allele origin: not applicable. Functional consequence: retained intron. Not counted in ClinVar's aggregate classification.

Dr. Peter K. Rogan Lab, Western University
No classification provided (evidence only). Condition: Chronic lymphocytic leukemia/small lymphocytic lymphoma. Review status: no classification provided. Collection method: in vitro. Allele origin: not applicable. Functional consequence: retained intron. Not counted in ClinVar's aggregate classification.

Dr. Peter K. Rogan Lab, Western University
No classification provided (evidence only). Condition: Chronic lymphocytic leukemia/small lymphocytic lymphoma. Review status: no classification provided. Collection method: in vitro. Allele origin: not applicable. Functional consequence: retained intron. Not counted in ClinVar's aggregate classification.

Dr. Peter K. Rogan Lab, Western University
No classification provided (evidence only). Condition: Nonpapillary renal cell carcinoma. Review status: no classification provided. Collection method: in vitro. Allele origin: not applicable. Functional consequence: retained intron. Not counted in ClinVar's aggregate classification.

Dr. Peter K. Rogan Lab, Western University
No classification provided (evidence only). Condition: Nonpapillary renal cell carcinoma. Review status: no classification provided. Collection method: in vitro. Allele origin: not applicable. Functional consequence: retained intron. Not counted in ClinVar's aggregate classification.

Dr. Peter K. Rogan Lab, Western University
No classification provided (evidence only). Condition: Nonpapillary renal cell carcinoma. Review status: no classification provided. Collection method: in vitro. Allele origin: not applicable. Functional consequence: retained intron. Not counted in ClinVar's aggregate classification.

Dr. Peter K. Rogan Lab, Western University
No classification provided (evidence only). Condition: Nonpapillary renal cell carcinoma. Review status: no classification provided. Collection method: in vitro. Allele origin: not applicable. Functional consequence: retained intron. Not counted in ClinVar's aggregate classification.

Dr. Peter K. Rogan Lab, Western University
No classification provided (evidence only). Condition: Nonpapillary renal cell carcinoma. Review status: no classification provided. Collection method: in vitro. Allele origin: not applicable. Functional consequence: retained intron. Not counted in ClinVar's aggregate classification.

Laboratory of Diagnostic Genome Analysis, Leiden University Medical Center (LUMC)
Classification: Likely benign. Review status: no assertion criteria provided. Collection method: clinical testing. Allele origin: germline. Affected: yes. Study: VKGL Data-share Consensus. Not counted in ClinVar's aggregate classification.

Genome Diagnostics Laboratory, University Medical Center Utrecht
Classification: Benign for Chédiak-Higashi syndrome. Last evaluated: 2014-10-09. Review status: flagged submission. Criteria: ACGS Guidelines, 2013. Collection method: clinical testing. Allele origin: germline. Affected: yes. Study: VKGL Data-share Consensus. Not counted in ClinVar's aggregate classification.
ClinVar note: Reason: This record appears to be redundant with a more recent record from the same submitter.
ClinVar note: Notes: SCV000743796 appears to be redundant with SCV000743797.